The following is an entry in ClinVar:

NM_024675.4(PALB2):c.3376C>G (p.His1126Asp)

Gene: PALB2 (partner and localizer of BRCA2; minus strand). Cytogenetic location: 16p12.2.
Variant type: single nucleotide variant.
Coding change: c.3376C>G on transcript NM_024675.4 (MANE Select); coding-DNA position 3376, C replaced by G.
Protein change: p.His1126Asp; replaces histidine 1126 with aspartic acid.
Molecular consequence: missense variant. On other transcripts: 3 prime UTR variant (5).
Genome position (GRCh38, 1-based): chr16:23,603,644, G>C on the plus strand (C>G on the coding strand, the complement: PALB2 is on the minus strand). VCF-style: chr16-23603644-G-C. GRCh37 (hg19) VCF-style: chr16-23614965-G-C.
Other names: c.3316C>G, p.His1106Asp (NM_001407296.1); c.3304C>G, p.His1102Asp (NM_001407297.1); c.3214C>G, p.His1072Asp (NM_001407298.1); c.3139C>G, p.His1047Asp (NM_001407299.1); c.3097C>G, p.His1033Asp (NM_001407300.1); c.*11C>G (NM_001407301.1, NM_001407302.1, NM_001407310.1 and 2 more transcripts); c.2491C>G, p.His831Asp (NM_001407304.1, NM_001407305.1, NM_001407306.1); c.2329C>G, p.His777Asp (NM_001407307.1); and 3 more; short protein forms H1102D, H1106D, H304D, H831D, H1047D, H777D, H1126D, H1033D.
Identifiers: ClinVar variation 3927447 (VCV003927447.1).

ClinVar aggregate classification (germline): Uncertain significance (1 of 4 stars; one submission).

Conditions:
Hereditary cancer-predisposing syndrome. Also called: Hereditary Cancer Syndrome; Hereditary neoplastic syndrome; Neoplastic Syndromes, Hereditary; Tumor predisposition. Identifiers: Orphanet 140162, MedGen C0027672, MeSH D009386, MONDO:0015356.

Submission:

Ambry Genetics
Classification: Uncertain significance for Hereditary cancer-predisposing syndrome. Last evaluated: 2025-05-17. Review status: criteria provided, single submitter. Criteria: Ambry Variant Classification Scheme 2023. Collection method: clinical testing. Allele origin: germline.
Comment: The p.H1126D variant (also known as c.3376C>G), located in coding exon 13 of the PALB2 gene, results from a C to G substitution at nucleotide position 3376. The histidine at codon 1126 is replaced by aspartic acid, an amino acid with similar properties. This amino acid position is conserved. In addition, this alteration is predicted to be tolerated by in silico analysis. Based on the available evidence, the clinical significance of this variant remains unclear.